The following is an entry in ClinVar:

NM_001286577.2(C2CD3):c.2070dup (p.Phe691fs)

Gene: C2CD3 (C2 domain containing 3 centriole elongation regulator; minus strand). Cytogenetic location: 11q13.4.
Variant type: Duplication.
Coding change: c.2070dup on transcript NM_001286577.2 (MANE Select); coding-DNA position 2070, one base duplicated (A; older notation c.2070dupA).
Protein change: p.Phe691fs; shifts the reading frame from phenylalanine 691.
Molecular consequence: frameshift variant.
Genome position (GRCh38, 1-based): chr11:74,106,386, T duplicated on the plus strand (A on the coding strand, the reverse complement: C2CD3 is on the minus strand). VCF-style (leftmost placement, unchanged base first): chr11-74106385-A-AT. GRCh37 (hg19) VCF-style: chr11-73817430-A-AT.
Other names: c.2070dup, p.Phe691fs (NM_015531.6); short protein forms F691fs.
Identifiers: ClinVar variation 1456017 (VCV001456017.6), dbSNP rs752638694, ClinGen allele CA6182732.

ClinVar aggregate classification (germline): Pathogenic (1 of 4 stars; one submission).

Allele frequency attached by ClinVar (database versions not stated): gnomAD exomes below 0.00001; ExAC 0.00001; gnomAD 0.00001; TOPMed 0.00001.

Submission:

Labcorp Genetics (formerly Invitae), Labcorp
Classification: Pathogenic. Last evaluated: 2021-02-22. Review status: criteria provided, single submitter. Criteria: Invitae Variant Classification Sherloc (09022015). Collection method: clinical testing. Allele origin: germline.
Comment: This variant is present in population databases (rs752638694, ExAC 0.01%). This variant has not been reported in the literature in individuals with C2CD3-related conditions. For these reasons, this variant has been classified as Pathogenic. This sequence change creates a premature translational stop signal (p.Phe691Ilefs*14) in the C2CD3 gene. It is expected to result in an absent or disrupted protein product. Loss-of-function variants in C2CD3 are known to be pathogenic (PMID: 24997988).

Literature cited by the submitters: PubMed 24997988.